The following is an entry in ClinVar:

NM_017780.4(CHD7):c.4783C>T (p.Gln1595Ter)

Gene: CHD7 (chromodomain helicase DNA binding protein 7; plus strand). Cytogenetic location: 8q12.2.
Variant type: single nucleotide variant.
Coding change: c.4783C>T on transcript NM_017780.4 (MANE Select); coding-DNA position 4783, C replaced by T.
Protein change: p.Gln1595Ter; replaces glutamine 1595 with a stop codon.
Molecular consequence: nonsense. On other transcripts: intron variant (1).
Genome position (GRCh38, 1-based): chr8:60,841,985, C>T. VCF-style: chr8-60841985-C-T. GRCh37 (hg19) VCF-style: chr8-61754544-C-T.
Other names: c.1717-20244C>T (NM_001316690.1); short protein forms Q1595*.
Identifiers: ClinVar variation 2444171 (VCV002444171.1), dbSNP rs1804995748, ClinGen allele CA371319476.
Genomic context (GRCh38, chr8:60,841,985, plus strand): 5'-GAGTTCTCAGACTTGGAAAGTGATTCTGAAGAAAAGCCCTGTGCAAAGCCACGGCGTCCC[C>T]AGGATAAGTCACAGGGCTATGCAAGGAGTGAATGTTTCAGGGTGGAGAAGAATCTGCTTG-3'

ClinVar aggregate classification (germline): Pathogenic (1 of 4 stars; one submission).

Conditions:
CHARGE syndrome (CHARGE). Also called: Hittner Hirsch Kreh syndrome; CHARGE ASSOCIATION--COLOBOMA, HEART ANOMALY, CHOANAL ATRESIA, RETARDATION, GENITAL AND EAR ANOMALIES; Coloboma, heart anomaly, choanal atresia, retardation, genital and ear anomalies; CHARGE association; Hall-Hittner syndrome. Identifiers: Orphanet 138, MedGen C0265354, MONDO:0008965.

Submission:

3billion
Classification: Pathogenic for CHD7-related CHARGE syndrome. Last evaluated: 2023-02-23. Review status: criteria provided, single submitter. Criteria: ACMG Guidelines, 2015. Collection method: clinical testing. Allele origin: unknown. Affected: yes.
Comment: The variant is not observed in the gnomAD v2.1.1 dataset. This variant was predicted to result in a loss or disruption of normal protein function through nonsense-mediated decay (NMD) or protein truncation. Multiple pathogenic variants are reported downstream of the variant. The variant has been reported to be associated with CHD7-related disorder (PMID: 22461308). Therefore, this variant is classified as Pathogenic according to the recommendation of ACMG/AMP guideline.

Literature cited by the submitters: PubMed 22461308.